The following is an entry in ClinVar:

NM_001009944.3(PKD1):c.3466_3493del (p.Gly1156fs)

Gene: PKD1 (polycystin 1, transient receptor potential channel interacting; minus strand). Cytogenetic location: 16p13.3.
Variant type: Deletion.
Coding change: c.3466_3493del on transcript NM_001009944.3 (MANE Select); coding-DNA positions 3466 to 3493, 28 bases deleted (GGTGTTCTTTACACGTGGGACTTCGGGG).
Protein change: p.Gly1156fs; shifts the reading frame from glycine 1156.
Molecular consequence: frameshift variant.
Genome position (GRCh38, 1-based): chr16:2,111,674-2,111,701, CCCCGAAGTCCCACGTGTAAAGAACACC deleted on the plus strand (GGTGTTCTTTACACGTGGGACTTCGGGG on the coding strand, the reverse complement: PKD1 is on the minus strand); deleting any 28 consecutive bases within chr16:2,111,674-2,111,704 gives the same sequence; the c. name uses the placement nearest the transcript's 3' end. VCF-style (leftmost placement, unchanged base first): chr16-2111673-TCCCCGAAGTCCCACGTGTAAAGAACACC-T. GRCh37 (hg19) VCF-style: chr16-2161674-TCCCCGAAGTCCCACGTGTAAAGAACACC-T.
Other names: p.Gly1156Thrfs*6; c.3466_3493del, p.Gly1156fs (NM_000296.4); short protein forms G1156fs.
Identifiers: ClinVar variation 3381140 (VCV003381140.1).

ClinVar aggregate classification (germline): Likely pathogenic (1 of 4 stars; one submission).

Submission:

Mayo Clinic Laboratories, Mayo Clinic
Classification: Likely pathogenic. Last evaluated: 2024-09-09. Review status: criteria provided, single submitter. Criteria: ACMG Guidelines, 2015. Collection method: clinical testing. Allele origin: germline. Observed: 2 variant alleles.
Comment: PM2, PVS1